The following is an entry in ClinVar:

NM_000059.4(BRCA2):c.5527G>T (p.Ala1843Ser)

Gene: BRCA2 (BRCA2 DNA repair associated; plus strand). Cytogenetic location: 13q13.1.
Variant type: single nucleotide variant.
Coding change: c.5527G>T on transcript NM_000059.4 (MANE Select); coding-DNA position 5527, G replaced by T.
Protein change: p.Ala1843Ser; replaces alanine 1843 with serine.
Molecular consequence: missense variant. On other transcripts: non-coding transcript variant (1), intron variant (2).
Genome position (GRCh38, 1-based): chr13:32,339,882, G>T. VCF-style: chr13-32339882-G-T. GRCh37 (hg19) VCF-style: chr13-32914019-G-T.
Other names: c.5527G>T, p.Ala1843Ser (NM_001406719.1, NM_001406720.1, NM_001432077.1); c.1910-4676G>T (NM_001406721.1); c.425-4676G>T (NM_001406722.1); short protein forms A1843S.
Identifiers: ClinVar variation 4856438 (VCV004856438.1).

ClinVar aggregate classification (germline): Likely benign (1 of 4 stars; one submission).

Conditions:
Breast-ovarian cancer, familial, susceptibility to, 2 (BROVCA2). Also called: BRCA2 Hereditary Breast and Ovarian Cancer. Identifiers: Orphanet 145, MedGen C2675520, MONDO:0012933, OMIM 612555. Disease mechanism: loss of function.

Submission:

Cancer Bioinformatics and Tumour Evolution Laboratory, Monash University
Classification: Likely benign for Breast-ovarian cancer, familial, susceptibility to, 2. Last evaluated: 2026-05-01. Review status: criteria provided, single submitter. Criteria: ClinGen BRCA1 and BRCA2 Guidelines, 2024. Collection method: curation. Allele origin: germline. Inheritance: Autosomal dominant inheritance.
Comment: Missense variant outside of a functional domain with no splice impact. BRCA1 and BRCA2 VCEP guidelines recommend application of BP1_Strong (PMID: 39142283)